The following is an entry in ClinVar:

NM_174936.4(PCSK9):c.1081C>A (p.Leu361Ile)

Gene: PCSK9 (proprotein convertase subtilisin/kexin type 9; plus strand). Cytogenetic location: 1p32.3.
Variant type: single nucleotide variant.
Coding change: c.1081C>A on transcript NM_174936.4 (MANE Select); coding-DNA position 1081, C replaced by A.
Protein change: p.Leu361Ile; replaces leucine 361 with isoleucine.
Molecular consequence: missense variant. On other transcripts: non-coding transcript variant (7).
Genome position (GRCh38, 1-based): chr1:55,057,415, C>A. VCF-style: chr1-55057415-C-A. GRCh37 (hg19) VCF-style: chr1-55523088-C-A.
Other names: c.1204C>A, p.Leu402Ile (NM_001407240.1); c.1081C>A, p.Leu361Ile (NM_001407241.1, NM_001407244.1, NM_001407247.1); c.1084C>A, p.Leu362Ile (NM_001407242.1); c.1024C>A, p.Leu342Ile (NM_001407243.1); c.889C>A, p.Leu297Ile (NM_001407245.1); c.706C>A, p.Leu236Ile (NM_001407246.1); short protein forms L236I, L297I, L342I, L361I, L362I, L402I.
Identifiers: ClinVar variation 4757218 (VCV004757218.1).

ClinVar aggregate classification (germline): Uncertain significance (1 of 4 stars; one submission).

Conditions:
Familial hypercholesterolemia. Also called: Familial hypercholesterolaemia. Identifiers: MedGen C0020445, MONDO:0005439.

gnomAD v4.1: 1 of 1,614,140 alleles (0.000062%); highest among the groups gnomAD compares: Non-Finnish European, 0.000085%; no homozygotes.

Submission:

Color Diagnostics, LLC DBA Color Health
Classification: Uncertain significance for Familial hypercholesterolemia. Last evaluated: 2025-06-17. Review status: criteria provided, single submitter. Criteria: ACMG Guidelines, 2015. Collection method: clinical testing. Allele origin: germline.
Comment: This missense variant replaces leucine with isoleucine at codon 361 of the PCSK9 protein. Computational prediction suggests that this variant may not impact protein structure and function. To our knowledge, functional studies have not been reported for this variant. This variant has not been reported in individuals affected with PCSK9-related disorders in the literature. This variant has not been identified in the general population by the Genome Aggregation Database (gnomAD). The available evidence is insufficient to determine the role of this variant in disease conclusively. Therefore, this variant is classified as a Variant of Uncertain Significance.